The following is an entry in ClinVar:

ClinVar aggregate classification (germline): Uncertain significance (1 of 4 stars; one submission).

Conditions:
GTP cyclohydrolase I deficiency. Identifiers: MedGen C0268467, MONDO:0100184.
Dystonia 5 (DRD). Also called: DYT-GCH1; DYSTONIA, PROGRESSIVE, WITH DIURNAL VARIATION; DYSTONIA-PARKINSONISM WITH DIURNAL FLUCTUATION; Dystonia, DOPA-responsive, with or without hyperphenylalaninemia; GTP Cyclohydrolase 1-Deficient Dopa-Responsive Dystonia. Identifiers: Orphanet 98808, MedGen C1851920, MONDO:0007495, OMIM 128230.

Submission:

Labcorp Genetics (formerly Invitae), Labcorp
Classification: Uncertain significance for GTP cyclohydrolase I deficiency; Dystonia 5. Last evaluated: 2025-11-16. Review status: criteria provided, single submitter. Criteria: Invitae Variant Classification Sherloc (09022015). Collection method: clinical testing. Allele origin: germline.
Comment: This sequence change replaces cysteine, which is neutral and slightly polar, with serine, which is neutral and polar, at codon 141 of the GCH1 protein (p.Cys141Ser). This variant is not present in population databases (gnomAD no frequency). This variant has not been reported in the literature in individuals affected with GCH1-related conditions. Invitae Evidence Modeling of protein sequence and biophysical properties (such as structural, functional, and spatial information, amino acid conservation, physicochemical variation, residue mobility, and thermodynamic stability) indicates that this missense variant is expected to disrupt GCH1 protein function with a positive predictive value of 80%. In summary, the available evidence is currently insufficient to determine the role of this variant in disease. Therefore, it has been classified as a Variant of Uncertain Significance.

NM_000161.3(GCH1):c.422G>C (p.Cys141Ser)

Gene: GCH1 (GTP cyclohydrolase 1; minus strand). Cytogenetic location: 14q22.2.
Variant type: single nucleotide variant.
Coding change: c.422G>C on transcript NM_000161.3 (MANE Select); coding-DNA position 422, G replaced by C.
Protein change: p.Cys141Ser; replaces cysteine 141 with serine.
Molecular consequence: missense variant.
Genome position (GRCh38, 1-based): chr14:54,865,358, C>G on the plus strand (G>C on the coding strand, the complement: GCH1 is on the minus strand). VCF-style: chr14-54865358-C-G. GRCh37 (hg19) VCF-style: chr14-55332076-C-G.
Other names: c.422G>C, p.Cys141Ser (NM_001024071.2, NM_001424104.1, NM_001024024.2 and 1 more transcripts); c.128G>C, p.Cys43Ser (NM_001424105.1); short protein forms C43S, C141S.
Identifiers: ClinVar variation 4782624 (VCV004782624.1).